The following is an entry in ClinVar:

NM_006922.4(SCN3A):c.4925G>A (p.Arg1642His)

Gene: SCN3A (sodium voltage-gated channel alpha subunit 3; minus strand). Cytogenetic location: 2q24.3.
Variant type: single nucleotide variant.
Coding change: c.4925G>A on transcript NM_006922.4 (MANE Select); coding-DNA position 4925, G replaced by A.
Protein change: p.Arg1642His; replaces arginine 1642 with histidine.
Molecular consequence: missense variant.
Genome position (GRCh38, 1-based): chr2:165,091,228, C>T on the plus strand (G>A on the coding strand, the complement: SCN3A is on the minus strand). VCF-style: chr2-165091228-C-T. GRCh37 (hg19) VCF-style: chr2-165947738-C-T.
Other names: c.4778G>A, p.Arg1593His (NM_001081676.2, NM_001081677.2); short protein forms R1593H, R1642H.
Identifiers: ClinVar variation 661516 (VCV000661516.4), dbSNP rs1433107678, ClinGen allele CA349018002.

ClinVar aggregate classification (germline): Uncertain significance. Review status: criteria provided, multiple submitters, no conflicts (2 of 4 stars). 2 submissions from 2 submitters: Uncertain significance (2). Last evaluated 2024-06-10.

Allele frequency attached by ClinVar (database versions not stated): gnomAD exomes below 0.00001 and 0.00001.
gnomAD v4.1: 8 of 1,614,078 alleles (0.0005%); highest among the groups gnomAD compares: Middle Eastern, 0.016%; no homozygotes.

Submissions (2):

GeneDx
Classification: Uncertain significance. Last evaluated: 2024-06-10. Review status: criteria provided, single submitter. Criteria: GeneDx Variant Classification Process June 2021. Collection method: clinical testing. Allele origin: germline. Affected: yes.
Comment: Not observed at significant frequency in large population cohorts (gnomAD); In silico analysis supports that this missense variant has a deleterious effect on protein structure/function; Has not been previously published as pathogenic or benign to our knowledge

Labcorp Genetics (formerly Invitae), Labcorp
Classification: Uncertain significance. Last evaluated: 2024-04-17. Review status: criteria provided, single submitter. Criteria: Invitae Variant Classification Sherloc (09022015). Collection method: clinical testing. Allele origin: germline.
Comment: This sequence change replaces arginine, which is basic and polar, with histidine, which is basic and polar, at codon 1642 of the SCN3A protein (p.Arg1642His). The frequency data for this variant in the population databases is considered unreliable, as metrics indicate poor data quality at this position in the gnomAD database. This variant has not been reported in the literature in individuals affected with SCN3A-related conditions. ClinVar contains an entry for this variant (Variation ID: 661516). Advanced modeling of protein sequence and biophysical properties (such as structural, functional, and spatial information, amino acid conservation, physicochemical variation, residue mobility, and thermodynamic stability) performed at Invitae indicates that this missense variant is expected to disrupt SCN3A protein function with a positive predictive value of 95%. In summary, the available evidence is currently insufficient to determine the role of this variant in disease. Therefore, it has been classified as a Variant of Uncertain Significance.